The following is an entry in ClinVar:

NM_130839.5(UBE3A):c.2364G>A (p.Trp788Ter)

Genes: SNHG14 (small nucleolar RNA host gene 14; plus strand), UBE3A (ubiquitin protein ligase E3A; minus strand). Cytogenetic location: 15q11.2.
Variant type: single nucleotide variant.
Coding change: c.2364G>A on transcript NM_130839.5 (MANE Select); coding-DNA position 2364, G replaced by A.
Protein change: p.Trp788Ter; replaces tryptophan 788 with a stop codon.
Molecular consequence: nonsense. On other transcripts: non-coding transcript variant (1).
Genome position (GRCh38, 1-based): chr15:25,340,219, C>T on the plus strand (G>A on the coding strand, the complement: UBE3A is on the minus strand). VCF-style: chr15-25340219-C-T. GRCh37 (hg19) VCF-style: chr15-25585366-C-T.
Other names: c.2373G>A, p.Trp791Ter (NM_000462.5); c.2364G>A, p.Trp788Ter (NM_001354505.1, NM_001354538.2); c.2304G>A, p.Trp768Ter (NM_001354506.2, NM_001354507.2, NM_001354508.2 and 14 more transcripts); c.2208G>A, p.Trp736Ter (NM_001354545.2); c.2187G>A, p.Trp729Ter (NM_001354546.2); c.2148G>A, p.Trp716Ter (NM_001354547.2, NM_001354548.2); c.2139G>A, p.Trp713Ter (NM_001354549.2); c.1113G>A, p.Trp371Ter (NM_001354550.2); and 1 more; short protein forms W768*, W791*, W351*, W371*, W713*, W716*, W736*, W729*.
Identifiers: ClinVar variation 7967 (VCV000007967.10), dbSNP rs111033595, ClinGen allele CA325622.

ClinVar aggregate classification (germline): Pathogenic. Review status: reviewed by expert panel (3 of 4 stars). 4 submissions from 4 submitters: Pathogenic (1). 3 of the submissions do not count toward it. Last evaluated 2021-03-01.

Conditions:
Angelman syndrome (AS). Also called: HAPPY PUPPET SYNDROME. Identifiers: Orphanet 72, MedGen C0162635, MONDO:0007113, OMIM 105830. Disease mechanism: loss of function. Inheritance: imprinting disorder, AS is caused by disruption of maternally imprinted UBE3A located within the 15q11.2-q13 Angelman syndrome/Prader-Willi syndrome (AS/PWS) region..

Submissions (4):

ClinGen Rett and Angelman-like Disorders Variant Curation Expert Panel
Classification: Pathogenic for Angelman syndrome. Last evaluated: 2021-03-01. Review status: reviewed by expert panel. Criteria: ClinGen RettAS ACMG Specifications V1. Collection method: curation. Allele origin: germline. Inheritance: Autosomal dominant inheritance.
Comment: The p.Trp768Ter variant in UBE3A is predicted to cause a premature stop codon that leads to a truncated or absent protein in a gene where loss-of-function is an established mechanism. There is significant evidence that loss of this region of the gene is pathogenic (PVS1). The p.Trp768Ter variant in the UBE3A gene is absent from gnomAD (PM2_supporting). The p.Trp768Ter variant in UBE3A has been reported in an individual with a clinical phenotype suggestive of Angelman syndrome (PMID 9792887) (PP1). This variant has been observed in at least 1 other individuals with Angelman syndrome (PMID 29915382) (PS4_supporting). The variant has been reported to segregate in two informative meioses (PMID 9792887) (PP1). In summary, the p.Trp768Ter variant in UBE3A is classified as Pathogenic for Angelman syndrome based on the ACMG/AMP criteria (PVS1, PS4_supporting, PM2_supporting, PP1, PP4).

Labcorp Genetics (formerly Invitae), Labcorp
Classification: Pathogenic for Angelman syndrome. Last evaluated: 2024-06-08. Review status: criteria provided, single submitter. Criteria: Invitae Variant Classification Sherloc (09022015). Collection method: clinical testing. Allele origin: germline. Not counted in ClinVar's aggregate classification.
Comment: This sequence change creates a premature translational stop signal (p.Trp768*) in the UBE3A gene. It is expected to result in an absent or disrupted protein product. Loss-of-function variants in UBE3A are known to be pathogenic (PMID: 25212744). This variant is not present in population databases (gnomAD no frequency). This premature translational stop signal has been observed in individual(s) with clinical features of Angelman syndrome (PMID: 9792887, 29915382). ClinVar contains an entry for this variant (Variation ID: 7967). Algorithms developed to predict the effect of sequence changes on RNA splicing suggest that this variant may disrupt the consensus splice site. For these reasons, this variant has been classified as Pathogenic.

Genetic Services Laboratory, University of Chicago
Classification: Pathogenic for Angelman syndrome. Last evaluated: 2015-06-05. Review status: criteria provided, single submitter. Criteria: ACMG Guidelines, 2015. Collection method: clinical testing. Allele origin: germline. Affected: yes. Not counted in ClinVar's aggregate classification.

OMIM
Classification: Pathogenic for ANGELMAN SYNDROME. Last evaluated: 1998-11-01. Review status: no assertion criteria provided. Collection method: literature only. Allele origin: germline. Not counted in ClinVar's aggregate classification.

Literature cited by the submitters: PubMed 9792887 (cited by 3 submitters); PubMed 29915382 (cited by ClinGen Rett and Angelman-like Disorders Variant Curation Expert Panel and Labcorp Genetics (formerly Invitae), Labcorp); PubMed 25212744 (cited by Labcorp Genetics (formerly Invitae), Labcorp).